The following is an entry in ClinVar:

NM_001127178.3(PIGG):c.2164G>T (p.Ala722Ser)

Gene: PIGG (phosphatidylinositol glycan anchor biosynthesis class G (EMM blood group); plus strand). Cytogenetic location: 4p16.3.
Variant type: single nucleotide variant.
Coding change: c.2164G>T on transcript NM_001127178.3 (MANE Select); coding-DNA position 2164, G replaced by T.
Protein change: p.Ala722Ser; replaces alanine 722 with serine.
Molecular consequence: missense variant. On other transcripts: non-coding transcript variant (10).
Genome position (GRCh38, 1-based): chr4:527,133, G>T. VCF-style: chr4-527133-G-T. GRCh37 (hg19) VCF-style: chr4-520922-G-T.
Other names: c.2164G>T (NM_001127178.1); c.1897G>T, p.Ala633Ser (NM_001289051.2, NM_001345986.2); c.1765G>T, p.Ala589Ser (NM_001289052.2); c.1873G>T, p.Ala625Ser (NM_001345987.2); c.1135G>T, p.Ala379Ser (NM_001345988.2); c.631G>T, p.Ala211Ser (NM_001345990.2, NM_001345991.2); c.1066G>T, p.Ala356Ser (NM_001345994.2); c.2140G>T, p.Ala714Ser (NM_017733.5); short protein forms A379S, A633S, A714S, A211S, A589S, A625S, A356S, A722S.
Identifiers: ClinVar variation 1377547 (VCV001377547.7), dbSNP rs1490299578, ClinGen allele CA355908625.

ClinVar aggregate classification (germline): Uncertain significance. Review status: criteria provided, multiple submitters, no conflicts (2 of 4 stars). 2 submissions from 2 submitters: Uncertain significance (2). Last evaluated 2025-01-22.

Conditions:
Inborn genetic diseases. Identifiers: MedGen C0950123, MeSH D030342.
Intellectual disability, autosomal recessive 53 (NEDHSCA). Also called: NEURODEVELOPMENTAL DISORDER WITH OR WITHOUT HYPOTONIA, SEIZURES, AND CEREBELLAR ATROPHY; GLYCOSYLPHOSPHATIDYLINOSITOL BIOSYNTHESIS DEFECT 13; Mental retardation, autosomal recessive 53. Identifiers: Orphanet 488635, MedGen C4310794, MONDO:0014832, OMIM 616917.

Allele frequency attached by ClinVar (database versions not stated): gnomAD 0.00001; TOPMed 0.00002.
gnomAD v4.1: 9 of 1,613,988 alleles (0.00056%); highest among the groups gnomAD compares: Middle Eastern, 0.016%; no homozygotes.

Submissions (2):

Ambry Genetics
Classification: Uncertain significance for Inborn genetic diseases. Last evaluated: 2025-01-22. Review status: criteria provided, single submitter. Criteria: Ambry Variant Classification Scheme 2023. Collection method: clinical testing. Allele origin: germline.

Labcorp Genetics (formerly Invitae), Labcorp
Classification: Uncertain significance for Intellectual disability, autosomal recessive 53. Last evaluated: 2024-07-08. Review status: criteria provided, single submitter. Criteria: Invitae Variant Classification Sherloc (09022015). Collection method: clinical testing. Allele origin: germline.
Comment: This sequence change replaces alanine, which is neutral and non-polar, with serine, which is neutral and polar, at codon 722 of the PIGG protein (p.Ala722Ser). This variant is not present in population databases (gnomAD no frequency). This variant has not been reported in the literature in individuals affected with PIGG-related conditions. ClinVar contains an entry for this variant (Variation ID: 1377547). Advanced modeling of protein sequence and biophysical properties (such as structural, functional, and spatial information, amino acid conservation, physicochemical variation, residue mobility, and thermodynamic stability) performed at Invitae indicates that this missense variant is not expected to disrupt PIGG protein function with a negative predictive value of 80%. In summary, the available evidence is currently insufficient to determine the role of this variant in disease. Therefore, it has been classified as a Variant of Uncertain Significance.